The following is an entry in ClinVar:

NM_000124.4(ERCC6):c.3714C>G (p.Asn1238Lys)

Gene: ERCC6 (ERCC excision repair 6, chromatin remodeling factor; minus strand). Cytogenetic location: 10q11.23.
Variant type: single nucleotide variant.
Coding change: c.3714C>G on transcript NM_000124.4 (MANE Select); coding-DNA position 3714, C replaced by G.
Protein change: p.Asn1238Lys; replaces asparagine 1238 with lysine.
Molecular consequence: missense variant.
Genome position (GRCh38, 1-based): chr10:49,470,246, G>C on the plus strand (C>G on the coding strand, the complement: ERCC6 is on the minus strand). VCF-style: chr10-49470246-G-C. GRCh37 (hg19) VCF-style: chr10-50678292-G-C.
Other names: c.3714C>G, p.Asn1238Lys (NM_001346440.2); short protein forms N1238K.
Identifiers: ClinVar variation 1931653 (VCV001931653.4), dbSNP rs1474544191, ClinGen allele CA376712697.

ClinVar aggregate classification (germline): Uncertain significance (1 of 4 stars; one submission).

Allele frequency attached by ClinVar (database versions not stated): TOPMed below 0.00001.
gnomAD v4.1: 2 of 1,614,056 alleles (0.00012%); highest among the groups gnomAD compares: Admixed American, 0.0017%; no homozygotes.

Submission:

Labcorp Genetics (formerly Invitae), Labcorp
Classification: Uncertain significance. Last evaluated: 2025-11-10. Review status: criteria provided, single submitter. Criteria: Invitae Variant Classification Sherloc (09022015). Collection method: clinical testing. Allele origin: germline.
Comment: This sequence change replaces asparagine, which is neutral and polar, with lysine, which is basic and polar, at codon 1238 of the ERCC6 protein (p.Asn1238Lys). This variant is present in population databases (no rsID available, gnomAD 0.003%). This variant has not been reported in the literature in individuals affected with ERCC6-related conditions. ClinVar contains an entry for this variant (Variation ID: 1931653). Invitae Evidence Modeling of protein sequence and biophysical properties (such as structural, functional, and spatial information, amino acid conservation, physicochemical variation, residue mobility, and thermodynamic stability) indicates that this missense variant is not expected to disrupt ERCC6 protein function with a negative predictive value of 95%. In summary, the available evidence is currently insufficient to determine the role of this variant in disease. Therefore, it has been classified as a Variant of Uncertain Significance.